The following is an entry in ClinVar:

NC_000011.9:g.(?_31807092)_(31832375_?)del

Gene: PAX6 (paired box 6; minus strand). Cytogenetic location: 11p13.
Variant type: Deletion.
Identifiers: ClinVar variation 3244582 (VCV003244582.1).

ClinVar aggregate classification (germline): Pathogenic (1 of 4 stars; one submission).

Conditions:
Aniridia 1 (AN1). Identifiers: Orphanet 250923, MedGen C0344542, MONDO:0024507, OMIM 106210.
Irido-corneo-trabecular dysgenesis (ASGD5). Also called: ANTERIOR SEGMENT DYSGENESIS 5. Identifiers: Orphanet 708, MedGen C0344559, MONDO:0011414, OMIM 604229, HP:0000659.

Submission:

Labcorp Genetics (formerly Invitae), Labcorp
Classification: Pathogenic for Aniridia 1; Irido-corneo-trabecular dysgenesis. Last evaluated: 2023-12-14. Review status: criteria provided, single submitter. Criteria: Invitae Variant Classification Sherloc (09022015). Collection method: clinical testing. Allele origin: unknown.
Comment: A gross deletion of the genomic region encompassing the full coding sequence of the PAX6 gene has been identified. Loss-of-function variants in PAX6 are known to be pathogenic (PMID: 12634864). The boundaries of this event are unknown as they extend beyond the assayed region for this gene and therefore may encompass additional genes. A similar copy number variant has been observed in individual(s) with aniridia and/or Rieger syndrome. In addition, it has been reported as part of a larger deletion with the WT1 gene in individuals affected with WAGR syndrome (PMID: 10737978, 11284764, 17630404, 24138039, 26661695). For these reasons, this variant has been classified as Pathogenic.

Literature cited by the submitters: PubMed 12634864; PubMed 10737978; PubMed 11284764; PubMed 17630404; PubMed 24138039; PubMed 26661695.